The following is an entry in ClinVar:

NM_006258.4(PRKG1):c.982T>G (p.Cys328Gly)

Gene: PRKG1 (protein kinase cGMP-dependent 1; plus strand). Cytogenetic location: 10q21.1.
Variant type: single nucleotide variant.
Coding change: c.982T>G on transcript NM_006258.4 (MANE Select); coding-DNA position 982, T replaced by G.
Protein change: p.Cys328Gly; replaces cysteine 328 with glycine.
Molecular consequence: missense variant. On other transcripts: 5 prime UTR variant (1).
Genome position (GRCh38, 1-based): chr10:52,133,886, T>G. VCF-style: chr10-52133886-T-G. GRCh37 (hg19) VCF-style: chr10-53893646-T-G.
Other names: c.937T>G, p.Cys313Gly (NM_001098512.3); c.-228T>G (NM_001374781.1); short protein forms C313G, C328G.
Identifiers: ClinVar variation 4293204 (VCV004293204.1).

ClinVar aggregate classification (germline): Uncertain significance (1 of 4 stars; one submission).

Conditions:
Aortic aneurysm, familial thoracic 8 (AAT8). Identifiers: MedGen C3809513, MONDO:0014187, OMIM 615436.

gnomAD v4.1: 1 of 1,613,064 alleles (0.000062%); highest among the groups gnomAD compares: East Asian, 0.0022%; no homozygotes.

Submission:

3billion
Classification: Uncertain significance for Aortic aneurysm, familial thoracic 8. Last evaluated: 2024-12-04. Review status: criteria provided, single submitter. Criteria: ACMG Guidelines, 2015. Collection method: clinical testing. Allele origin: germline. Affected: yes.
Comment: The variant is observed at an extremely low frequency in the gnomAD v4.1.0 dataset (total allele frequency: <0.001%). Predicted Consequence/Location: Missense variant. Missense changes are a common disease-causing mechanism. In silico tool predictions suggest damaging effect of the variant on gene or gene product [REVEL: 0.63 (>=0.6, sensitivity 0.68 and specificity 0.92)]. Different missense changes at the same codon have been reported as of uncertain significance (ClinVar ID: VCV002915689). Therefore, this variant is classified as VUS according to the recommendation of ACMG/AMP guideline.